The following is an entry in ClinVar:

NM_001364905.1(LRBA):c.8551C>T (p.Arg2851Cys)

Gene: LRBA (LPS responsive beige-like anchor protein; minus strand). Cytogenetic location: 4q31.3.
Variant type: single nucleotide variant.
Coding change: c.8551C>T on transcript NM_001364905.1 (MANE Select); coding-DNA position 8551, C replaced by T.
Protein change: p.Arg2851Cys; replaces arginine 2851 with cysteine.
Molecular consequence: missense variant.
Genome position (GRCh38, 1-based): chr4:150,265,730, G>A on the plus strand (C>T on the coding strand, the complement: LRBA is on the minus strand). VCF-style: chr4-150265730-G-A. GRCh37 (hg19) VCF-style: chr4-151186882-G-A.
Other names: c.8566C>T, p.Arg2856Cys (NM_001367550.1); c.8584C>T, p.Arg2862Cys (NM_006726.5); c.8548C>T, p.Arg2850Cys (NM_001199282.3); short protein forms R2862C, R2850C, R2851C, R2856C.
Identifiers: ClinVar variation 287379 (VCV000287379.65), dbSNP rs145709687, ClinGen allele CA3101305.

ClinVar aggregate classification (germline): Conflicting classifications of pathogenicity. Review status: criteria provided, conflicting classifications (1 of 4 stars). 9 submissions from 9 submitters: Uncertain significance (2); Benign (1); Likely benign (3). 3 of the submissions do not count toward it. Last evaluated 2026-07-01.

Conditions:
Combined immunodeficiency due to LRBA deficiency. Also called: Common variable immunodeficiency 8, with autoimmunity. Identifiers: Orphanet 445018, MedGen C3553512, MONDO:0013863, OMIM 614700.
LRBA-related disorder. Also called: LRBA-related condition.

Allele frequency attached by ClinVar (database versions not stated): gnomAD 0.00142 and 0.00152; gnomAD exomes 0.00184 and 0.00125; ESP Exome Variant Server 0.00123; ExAC 0.00126; TOPMed 0.00140.
gnomAD v4.1: 2,884 of 1,608,596 alleles (0.18%); highest among the groups gnomAD compares: Non-Finnish European, 0.23%; 4 homozygotes.

Submissions (9):

CeGaT Center for Human Genetics Tuebingen
Classification: Likely benign. Last evaluated: 2026-07-01. Review status: criteria provided, single submitter. Criteria: CeGaT Center For Human Genetics Tuebingen Variant Classification Criteria Version 2. Collection method: clinical testing. Allele origin: germline. Affected: yes. Observed: 5 variant alleles.
Comment: LRBA: BS2

Women's Health and Genetics/Laboratory Corporation of America, LabCorp
Classification: Likely benign. Last evaluated: 2026-02-11. Review status: criteria provided, single submitter. Criteria: LabCorp Variant Classification Summary - May 2015. Collection method: clinical testing. Allele origin: germline.
Comment: Variant summary: LRBA c.8584C>T (p.Arg2862Cys) results in a non-conservative amino acid change in the encoded protein sequence. Algorithms developed to predict the effect of missense changes on protein structure and function are either unavailable or do not agree on the potential impact of this missense change. The variant allele was found at a frequency of 0.0012 in 249728 control chromosomes, predominantly at a frequency of 0.0023 within the Non-Finnish European subpopulation in the gnomAD database, including 1 homozygotes. The observed variant frequency within Non-Finnish European control individuals in the gnomAD database exceeds the estimated maximal expected allele frequency for disease-causing variants in LRBA. c.8584C>T has been observed in two individuals affected with Posterior Segment Uveitis without clear evidence for causality (Li_2021). These report(s) do not provide unequivocal conclusions about association of the variant with Combined immunodeficiency due to LRBA deficiency. To our knowledge, no experimental evidence demonstrating an impact on protein function has been reported. The following publication have been ascertained in the context of this evaluation (PMID: 32707200). ClinVar contains an entry for this variant (Variation ID: 287379). Based on the evidence outlined above, the variant was classified as likely benign.

Labcorp Genetics (formerly Invitae), Labcorp
Classification: Benign for Combined immunodeficiency due to LRBA deficiency. Last evaluated: 2026-01-26. Review status: criteria provided, single submitter. Criteria: Invitae Variant Classification Sherloc (09022015). Collection method: clinical testing. Allele origin: germline.

Mayo Clinic Laboratories, Mayo Clinic
Classification: Uncertain significance. Last evaluated: 2025-08-18. Review status: criteria provided, single submitter. Criteria: ACMG Guidelines, 2015. Collection method: clinical testing. Allele origin: germline. Observed: 5 variant alleles.
Comment: BS1

Eurofins Ntd Llc (ga)
Classification: Likely benign. Last evaluated: 2017-04-12. Review status: criteria provided, single submitter. Criteria: EGL Classification Definitions 2015. Collection method: clinical testing. Allele origin: germline. Observed: 2 variant alleles, 2 heterozygotes.

Genetic Services Laboratory, University of Chicago
Classification: Uncertain significance. Last evaluated: 2016-06-13. Review status: criteria provided, single submitter. Criteria: ACMG Guidelines, 2015. Collection method: clinical testing. Allele origin: germline. Affected: no.

PreventionGenetics, part of Exact Sciences
Classification: Likely benign for LRBA-related condition. Last evaluated: 2023-07-06. Review status: no assertion criteria provided. Collection method: clinical testing. Allele origin: germline. Not counted in ClinVar's aggregate classification.
Comment: This variant is classified as likely benign based on ACMG/AMP sequence variant interpretation guidelines (Richards et al. 2015 PMID: 25741868, with internal and published modifications).

Clinical Genetics DNA and cytogenetics Diagnostics Lab, Erasmus MC, Erasmus Medical Center
Classification: Uncertain significance. Review status: no assertion criteria provided. Collection method: clinical testing. Allele origin: germline. Affected: yes. Study: VKGL Data-share Consensus. Not counted in ClinVar's aggregate classification.

Diagnostic Laboratory, Department of Genetics, University Medical Center Groningen
Classification: Uncertain significance. Review status: no assertion criteria provided. Collection method: clinical testing. Allele origin: germline. Affected: yes. Study: VKGL Data-share Consensus. Not counted in ClinVar's aggregate classification.

Literature cited by the submitters: PubMed 32707200 (cited by Women's Health and Genetics/Laboratory Corporation of America, LabCorp and Mayo Clinic Laboratories, Mayo Clinic); PubMed 34573280 (cited by Mayo Clinic Laboratories, Mayo Clinic).